The following is an entry in ClinVar:

NM_152383.5(DIS3L2):c.1212C>G (p.Phe404Leu)

Gene: DIS3L2 (DIS3 like 3'-5' exoribonuclease 2; plus strand). Cytogenetic location: 2q37.1.
Variant type: single nucleotide variant.
Coding change: c.1212C>G on transcript NM_152383.5 (MANE Select); coding-DNA position 1212, C replaced by G.
Protein change: p.Phe404Leu; replaces phenylalanine 404 with leucine.
Molecular consequence: missense variant. On other transcripts: non-coding transcript variant (2).
Genome position (GRCh38, 1-based): chr2:232,238,540, C>G. VCF-style: chr2-232238540-C-G. GRCh37 (hg19) VCF-style: chr2-233103250-C-G.
Other names: c.1212C>G, p.Phe404Leu (NM_001257281.2); short protein forms F404L.
Identifiers: ClinVar variation 1052270 (VCV001052270.9), dbSNP rs1692996224, ClinGen allele CA351154565.

ClinVar aggregate classification (germline): Uncertain significance (1 of 4 stars; one submission).

Conditions:
Perlman syndrome (PRLMNS). Identifiers: Orphanet 2849, MedGen C0796113, MONDO:0009965, OMIM 267000.

Allele frequency attached by ClinVar (database versions not stated): gnomAD exomes below 0.00001.
gnomAD v4.1: 1 of 1,613,984 alleles (0.000062%); highest among the groups gnomAD compares: Middle Eastern, 0.017%; no homozygotes.

Submission:

Labcorp Genetics (formerly Invitae), Labcorp
Classification: Uncertain significance for Perlman syndrome. Last evaluated: 2020-09-09. Review status: criteria provided, single submitter. Criteria: Invitae Variant Classification Sherloc (09022015). Collection method: clinical testing. Allele origin: germline.
Comment: This sequence change replaces phenylalanine with leucine at codon 404 of the DIS3L2 protein (p.Phe404Leu). The phenylalanine residue is moderately conserved and there is a small physicochemical difference between phenylalanine and leucine. This variant is not present in population databases (ExAC no frequency). This variant has not been reported in the literature in individuals with DIS3L2-related conditions. Algorithms developed to predict the effect of missense changes on protein structure and function (SIFT, PolyPhen-2, Align-GVGD) all suggest that this variant is likely to be tolerated, but these predictions have not been confirmed by published functional studies and their clinical significance is uncertain. In summary, the available evidence is currently insufficient to determine the role of this variant in disease. Therefore, it has been classified as a Variant of Uncertain Significance.